The following is an entry in ClinVar:

NM_181882.3(PRX):c.840G>A (p.Pro280=)

Gene: PRX (periaxin; minus strand). Cytogenetic location: 19q13.2.
Variant type: single nucleotide variant.
Coding change: c.840G>A on transcript NM_181882.3 (MANE Select); coding-DNA position 840, G replaced by A.
Protein change: p.Pro280=; no amino-acid change (proline 280 retained).
Molecular consequence: synonymous variant. On other transcripts: 3 prime UTR variant (1).
Genome position (GRCh38, 1-based): chr19:40,397,512, C>T on the plus strand (G>A on the coding strand, the complement: PRX is on the minus strand). VCF-style: chr19-40397512-C-T. GRCh37 (hg19) VCF-style: chr19-40903419-C-T.
Other names: c.*1045G>A (NM_020956.2).
Identifiers: ClinVar variation 697298 (VCV000697298.19), dbSNP rs773272074, ClinGen allele CA9444371.

ClinVar aggregate classification (germline): Likely benign. Review status: criteria provided, multiple submitters, no conflicts (2 of 4 stars). 5 submissions from 5 submitters: Likely benign (4). 1 of the submissions does not count toward it. Last evaluated 2026-03-01.

Conditions:
PRX-related disorder. Also called: PRX-Related Disorders; PRX-related condition.
Charcot-Marie-Tooth disease type 4. Also called: Charcot-Marie-Tooth disease, type IV; Charcot-Marie-Tooth, Type 4. Identifiers: Orphanet 64749, MedGen C4082197, MONDO:0018995.

Allele frequency attached by ClinVar (database versions not stated): TOPMed 0.00001; gnomAD 0.00003; gnomAD exomes 0.00004 and 0.00005; ExAC 0.00021.

Submissions (5):

CeGaT Center for Human Genetics Tuebingen
Classification: Likely benign. Last evaluated: 2026-03-01. Review status: criteria provided, single submitter. Criteria: CeGaT Center For Human Genetics Tuebingen Variant Classification Criteria Version 2. Collection method: clinical testing. Allele origin: germline. Affected: yes. Observed: 2 variant alleles.
Comment: PRX: BP4, BP7

Labcorp Genetics (formerly Invitae), Labcorp
Classification: Likely benign for Charcot-Marie-Tooth disease type 4. Last evaluated: 2025-12-04. Review status: criteria provided, single submitter. Criteria: Invitae Variant Classification Sherloc (09022015). Collection method: clinical testing. Allele origin: germline.

Women's Health and Genetics/Laboratory Corporation of America, LabCorp
Classification: Likely benign. Last evaluated: 2025-10-08. Review status: criteria provided, single submitter. Criteria: LabCorp Variant Classification Summary - May 2015. Collection method: clinical testing. Allele origin: germline.

Breakthrough Genomics
Classification: Likely benign. Review status: criteria provided, single submitter. Criteria: ACMG Guidelines, 2015. Collection method: not provided. Allele origin: germline. Inheritance: Autosomal recessive inheritance. Affected: yes.

PreventionGenetics, part of Exact Sciences
Classification: Likely benign for PRX-related condition. Last evaluated: 2021-09-14. Review status: no assertion criteria provided. Collection method: clinical testing. Allele origin: germline. Not counted in ClinVar's aggregate classification.
Comment: This variant is classified as likely benign based on ACMG/AMP sequence variant interpretation guidelines (Richards et al. 2015 PMID: 25741868, with internal and published modifications).